The following is an entry in ClinVar:

NM_000553.6(WRN):c.2867C>T (p.Ser956Phe)

Gene: WRN (WRN RecQ like helicase; plus strand). Cytogenetic location: 8p12.
Variant type: single nucleotide variant.
Coding change: c.2867C>T on transcript NM_000553.6 (MANE Select); coding-DNA position 2867, C replaced by T.
Protein change: p.Ser956Phe; replaces serine 956 with phenylalanine.
Molecular consequence: missense variant.
Genome position (GRCh38, 1-based): chr8:31,132,406, C>T. VCF-style: chr8-31132406-C-T. GRCh37 (hg19) VCF-style: chr8-30989922-C-T.
Other names: short protein forms S956F.
Identifiers: ClinVar variation 943669 (VCV000943669.6), dbSNP rs1223775311, ClinGen allele CA370918925.
Genomic context (GRCh38, chr8:31,132,406, plus strand): 5'-TGTTATTATTTTTATTTAGATTGGATCATTGCTATTCCATGGATGACTCAGAGGATACAT[C>T]CTGGGACTTTGGTCCACAAGCATTTAAGCTTTTGTCTGCTGTGGACATCTTAGGCGAAAA-3'
Protein context (NP_000544.2, residues 946-966): CYSMDDSEDT[Ser956Phe]WDFGPQAFKL

ClinVar aggregate classification (germline): Uncertain significance (1 of 4 stars; one submission).

Conditions:
Werner syndrome (WRN). Identifiers: Orphanet 902, MedGen C0043119, MONDO:0010196, OMIM 277700.

Allele frequency attached by ClinVar (database versions not stated): gnomAD exomes below 0.00001.
gnomAD v4.1: 1 of 1,614,058 alleles (0.000062%); highest among the groups gnomAD compares: South Asian, 0.0011%; no homozygotes.

Submission:

Labcorp Genetics (formerly Invitae), Labcorp
Classification: Uncertain significance for Werner syndrome. Last evaluated: 2024-04-03. Review status: criteria provided, single submitter. Criteria: Invitae Variant Classification Sherloc (09022015). Collection method: clinical testing. Allele origin: germline.
Comment: This sequence change replaces serine, which is neutral and polar, with phenylalanine, which is neutral and non-polar, at codon 956 of the WRN protein (p.Ser956Phe). This variant is present in population databases (no rsID available, gnomAD 0.003%). This variant has not been reported in the literature in individuals affected with WRN-related conditions. ClinVar contains an entry for this variant (Variation ID: 943669). Algorithms developed to predict the effect of missense changes on protein structure and function output the following: SIFT: "Not Available"; PolyPhen-2: "Benign"; Align-GVGD: "Not Available". The phenylalanine amino acid residue is found in multiple mammalian species, which suggests that this missense change does not adversely affect protein function. In summary, the available evidence is currently insufficient to determine the role of this variant in disease. Therefore, it has been classified as a Variant of Uncertain Significance.